The following is an entry in ClinVar:

NM_020066.5(FMN2):c.3582A>C (p.Gly1194=)

Gene: FMN2 (formin 2; plus strand). Cytogenetic location: 1q43.
Variant type: single nucleotide variant.
Coding change: c.3582A>C on transcript NM_020066.5 (MANE Select); coding-DNA position 3582, A replaced by C.
Protein change: p.Gly1194=; no amino-acid change (glycine 1194 retained).
Molecular consequence: synonymous variant. On other transcripts: intron variant (1).
Genome position (GRCh38, 1-based): chr1:240,208,394, A>C. VCF-style: chr1-240208394-A-C. GRCh37 (hg19) VCF-style: chr1-240371694-A-C.
Other names: c.3594A>C, p.Gly1198= (NM_001305424.2); c.1986+20132A>C (NM_001348094.2).
Identifiers: ClinVar variation 3771152 (VCV003771152.13).
Genomic context (GRCh38, chr1:240,208,394, plus strand): 5'-CCCTCCGCCCCCTCTACCTGGAGTGGGAATACCTCCTCCGCCCCCTCTACCTGGAGTGGG[A>C]ATACCTCCTCCGCCCCCTCTACCTGGTGCTGGGATTCCCCCACCTCCTCCCTTGCCAGGT-3'
Protein context (NP_064450.3, residues 1184-1204): IPPPPPLPGV[Gly1194=]IPPPPPLPGA

ClinVar aggregate classification (germline): Likely benign (1 of 4 stars; one submission).

Submission:

CeGaT Center for Human Genetics Tuebingen
Classification: Likely benign. Last evaluated: 2026-07-01. Review status: criteria provided, single submitter. Criteria: CeGaT Center For Human Genetics Tuebingen Variant Classification Criteria Version 2. Collection method: clinical testing. Allele origin: germline. Affected: yes. Observed: 2 variant alleles.
Comment: FMN2: BP4, BP7